The following is an entry in ClinVar:

NM_182961.4(SYNE1):c.26213G>A (p.Arg8738His)

Genes: ESR1 (estrogen receptor 1; plus strand), SYNE1 (spectrin repeat containing nuclear envelope protein 1; minus strand). Cytogenetic location: 6q25.2.
Variant type: single nucleotide variant.
Coding change: c.26213G>A on transcript NM_182961.4 (MANE Select); coding-DNA position 26213, G replaced by A.
Protein change: p.Arg8738His; replaces arginine 8738 with histidine.
Molecular consequence: missense variant. On other transcripts: 3 prime UTR variant (1), intron variant (1).
Genome position (GRCh38, 1-based): chr6:152,122,617, C>T on the plus strand (G>A on the coding strand, the complement: SYNE1 is on the minus strand). VCF-style: chr6-152122617-C-T. GRCh37 (hg19) VCF-style: chr6-152443752-C-T.
Other names: c.*24G>A (NM_001347701.2); c.2747G>A, p.Arg916His (NM_001347702.2); c.26069G>A, p.Arg8690His (NM_033071.5); c.851-2649C>T (NM_001328100.2); short protein forms R8738H, R916H, R8690H.
Identifiers: ClinVar variation 1425327 (VCV001425327.29), dbSNP rs1276774540, ClinGen allele CA366089116.

ClinVar aggregate classification (germline): Uncertain significance. Review status: criteria provided, multiple submitters, no conflicts (2 of 4 stars). 3 submissions from 3 submitters: Uncertain significance (3). Last evaluated 2024-08-01.

Conditions:
Emery-Dreifuss muscular dystrophy 4, autosomal dominant (EDMD4). Also called: EMERY-DREIFUSS MUSCULAR DYSTROPHY 4 WITH VARIABLE FEATURES. Identifiers: Orphanet 261, MedGen C2751807, MONDO:0013071, OMIM 612998.
Autosomal recessive ataxia, Beauce type. Also called: Spinocerebellar ataxia, autosomal recessive 8; ATAXIA, RECESSIVE, OF BEAUCE; SYNE1-Related Autosomal Recessive Cerebellar Ataxia; SYNE1 Deficiency. Identifiers: Orphanet 88644, MedGen C1853116, MONDO:0012549, OMIM 610743.

Allele frequency attached by ClinVar (database versions not stated): TOPMed 0.00001; gnomAD exomes 0.00001.
gnomAD v4.1: 15 of 1,614,126 alleles (0.00093%); highest among the groups gnomAD compares: Non-Finnish European, 0.0011%; no homozygotes.

Submissions (3):

CeGaT Center for Human Genetics Tuebingen
Classification: Uncertain significance. Last evaluated: 2024-08-01. Review status: criteria provided, single submitter. Criteria: CeGaT Center For Human Genetics Tuebingen Variant Classification Criteria Version 2. Collection method: clinical testing. Allele origin: germline. Affected: yes. Observed: 2 variant alleles.
Comment: SYNE1: PM2, BP1, BP4

Labcorp Genetics (formerly Invitae), Labcorp
Classification: Uncertain significance for Emery-Dreifuss muscular dystrophy 4, autosomal dominant; Autosomal recessive ataxia, Beauce type. Last evaluated: 2022-08-09. Review status: criteria provided, single submitter. Criteria: Invitae Variant Classification Sherloc (09022015). Collection method: clinical testing. Allele origin: germline.
Comment: This sequence change replaces arginine, which is basic and polar, with histidine, which is basic and polar, at codon 8690 of the SYNE1 protein (p.Arg8690His). This variant is present in population databases (no rsID available, gnomAD 0.003%). This variant has not been reported in the literature in individuals affected with SYNE1-related conditions. ClinVar contains an entry for this variant (Variation ID: 1425327). Algorithms developed to predict the effect of missense changes on protein structure and function are either unavailable or do not agree on the potential impact of this missense change (SIFT: "Tolerated"; PolyPhen-2: "Possibly Damaging"; Align-GVGD: "Class C0"). In summary, the available evidence is currently insufficient to determine the role of this variant in disease. Therefore, it has been classified as a Variant of Uncertain Significance.

Revvity Omics, Revvity
Classification: Uncertain significance. Last evaluated: 2019-04-03. Review status: criteria provided, single submitter. Criteria: ACMG Guidelines, 2015. Collection method: clinical testing. Allele origin: germline.